The following is an entry in ClinVar:

ClinVar aggregate classification (germline): Uncertain significance. Review status: criteria provided, multiple submitters, no conflicts (2 of 4 stars). 2 submissions from 2 submitters: Uncertain significance (2). Last evaluated 2025-11-11.

Conditions:
Congenital disorder of glycosylation type Ir (CDG1R). Also called: DDOST-congenital disorder of glycosylation. Identifiers: Orphanet 300536, MedGen C3281084, MONDO:0013789, OMIM 614507.

Allele frequency attached by ClinVar (database versions not stated): gnomAD exomes 0.00001; ExAC 0.00005; gnomAD 0.00013; TOPMed 0.00015.
gnomAD v4.1: 38 of 1,613,444 alleles (0.0024%); highest among the groups gnomAD compares: African/African-American, 0.045%; no homozygotes.

Submissions (2):

Labcorp Genetics (formerly Invitae), Labcorp
Classification: Uncertain significance for Congenital disorder of glycosylation type Ir. Last evaluated: 2025-11-11. Review status: criteria provided, single submitter. Criteria: Invitae Variant Classification Sherloc (09022015). Collection method: clinical testing. Allele origin: germline.
Comment: This sequence change replaces isoleucine, which is neutral and non-polar, with valine, which is neutral and non-polar, at codon 195 of the DDOST protein (p.Ile195Val). This variant is present in population databases (rs777635772, gnomAD 0.05%). This variant has not been reported in the literature in individuals affected with DDOST-related conditions. ClinVar contains an entry for this variant (Variation ID: 2051182). Invitae Evidence Modeling of protein sequence and biophysical properties (such as structural, functional, and spatial information, amino acid conservation, physicochemical variation, residue mobility, and thermodynamic stability) indicates that this missense variant is not expected to disrupt DDOST protein function with a negative predictive value of 80%. In summary, the available evidence is currently insufficient to determine the role of this variant in disease. Therefore, it has been classified as a Variant of Uncertain Significance.

Ambry Genetics
Classification: Uncertain significance. Last evaluated: 2023-06-21. Review status: criteria provided, single submitter. Criteria: Ambry Variant Classification Scheme 2023. Collection method: clinical testing. Allele origin: germline.

NM_005216.5(DDOST):c.532A>G (p.Ile178Val)

Gene: DDOST (dolichyl-diphosphooligosaccharide--protein glycosyltransferase non-catalytic subunit; minus strand). Cytogenetic location: 1p36.12.
Variant type: single nucleotide variant.
Coding change: c.532A>G on transcript NM_005216.5 (MANE Select); coding-DNA position 532, A replaced by G.
Protein change: p.Ile178Val; replaces isoleucine 178 with valine.
Molecular consequence: missense variant.
Genome position (GRCh38, 1-based): chr1:20,655,459, T>C on the plus strand (A>G on the coding strand, the complement: DDOST is on the minus strand). VCF-style: chr1-20655459-T-C. GRCh37 (hg19) VCF-style: chr1-20981952-T-C.
Other names: c.583A>G (NM_005216.4); short protein forms I178V.
Identifiers: ClinVar variation 2051182 (VCV002051182.6), dbSNP rs777635772, ClinGen allele CA661206.